The following is an entry in ClinVar:

NM_001042492.3(NF1):c.46C>A (p.Arg16Ser)

Genes: MIR4733HG (MIR4733 host gene; minus strand), NF1 (neurofibromin 1; plus strand), LOC111811965 (NF1 (neurofibromin 1) promoter region; plus strand). Cytogenetic location: 17q11.2.
Variant type: single nucleotide variant.
Coding change: c.46C>A on transcript NM_001042492.3 (MANE Select); coding-DNA position 46, C replaced by A.
Protein change: p.Arg16Ser; replaces arginine 16 with serine.
Molecular consequence: missense variant. On other transcripts: non-coding transcript variant (1).
Genome position (GRCh38, 1-based): chr17:31,095,355, C>A. VCF-style: chr17-31095355-C-A. GRCh37 (hg19) VCF-style: chr17-29422373-C-A.
Other names: c.46C>A, p.Arg16Ser (NM_000267.4, NM_001128147.3); short protein forms R16S.
Identifiers: ClinVar variation 4704496 (VCV004704496.1).

ClinVar aggregate classification (germline): Uncertain significance (1 of 4 stars; one submission).

Conditions:
Neurofibromatosis, type 1 (NF1). Also called: VON RECKLINGHAUSEN DISEASE; Peripheral type neurofibromatosis; NEUROFIBROMATOSIS, TYPE I, SOMATIC; Neurofibromatosis, type I. Identifiers: Orphanet 636, MedGen C0027831, MONDO:0018975, OMIM 162200. Disease mechanism: loss of function.

Submission:

Labcorp Genetics (formerly Invitae), Labcorp
Classification: Uncertain significance for Neurofibromatosis, type 1. Last evaluated: 2025-02-12. Review status: criteria provided, single submitter. Criteria: Invitae Variant Classification Sherloc (09022015). Collection method: clinical testing. Allele origin: germline.
Comment: This sequence change replaces arginine, which is basic and polar, with serine, which is neutral and polar, at codon 16 of the NF1 protein (p.Arg16Ser). This variant is not present in population databases (gnomAD no frequency). This variant has not been reported in the literature in individuals affected with NF1-related conditions. Invitae Evidence Modeling of protein sequence and biophysical properties (such as structural, functional, and spatial information, amino acid conservation, physicochemical variation, residue mobility, and thermodynamic stability) indicates that this missense variant is expected to disrupt NF1 protein function with a positive predictive value of 95%. In summary, the available evidence is currently insufficient to determine the role of this variant in disease. Therefore, it has been classified as a Variant of Uncertain Significance.